The following is an entry in ClinVar:

ClinVar aggregate classification (germline): Uncertain significance (1 of 4 stars; one submission).

Conditions:
Arterial tortuosity syndrome (ATORS). Identifiers: Orphanet 3342, MedGen C1859726, MONDO:0008818, OMIM 208050.

Submission:

Labcorp Genetics (formerly Invitae), Labcorp
Classification: Uncertain significance for Arterial tortuosity syndrome. Last evaluated: 2025-01-06. Review status: criteria provided, single submitter. Criteria: Invitae Variant Classification Sherloc (09022015). Collection method: clinical testing. Allele origin: germline.
Comment: This sequence change replaces leucine, which is neutral and non-polar, with phenylalanine, which is neutral and non-polar, at codon 395 of the SLC2A10 protein (p.Leu395Phe). This variant is not present in population databases (gnomAD no frequency). This variant has not been reported in the literature in individuals affected with SLC2A10-related conditions. ClinVar contains an entry for this variant (Variation ID: 941918). Invitae Evidence Modeling of protein sequence and biophysical properties (such as structural, functional, and spatial information, amino acid conservation, physicochemical variation, residue mobility, and thermodynamic stability) indicates that this missense variant is not expected to disrupt SLC2A10 protein function with a negative predictive value of 95%. In summary, the available evidence is currently insufficient to determine the role of this variant in disease. Therefore, it has been classified as a Variant of Uncertain Significance.

NM_030777.4(SLC2A10):c.1183C>T (p.Leu395Phe)

Gene: SLC2A10 (solute carrier family 2 member 10; plus strand). Cytogenetic location: 20q13.12.
Variant type: single nucleotide variant.
Coding change: c.1183C>T on transcript NM_030777.4 (MANE Select); coding-DNA position 1183, C replaced by T.
Protein change: p.Leu395Phe; replaces leucine 395 with phenylalanine.
Molecular consequence: missense variant.
Genome position (GRCh38, 1-based): chr20:46,726,219, C>T. VCF-style: chr20-46726219-C-T. GRCh37 (hg19) VCF-style: chr20-45354858-C-T.
Other names: short protein forms L395F.
Identifiers: ClinVar variation 941918 (VCV000941918.10), dbSNP rs1979943098, ClinGen allele CA409269618.
Genomic context (GRCh38, chr20:46,726,219, plus strand): 5'-AAGCCCCATCCCAGATCTGGAGACCCCTCAGCCCCTCCTCGGCTGGCCCTGAGCTCTGCC[C>T]TCCCTGGGCCCCCTCTGCCCGCTCGGGGGCATGCACTGCTGCGCTGGACCGCACTGCTGT-3'
Protein context (NP_110404.1, residues 385-405): APPRLALSSA[Leu395Phe]PGPPLPARGH